The following is an entry in ClinVar:

ClinVar aggregate classification (germline): Uncertain significance. Review status: criteria provided, multiple submitters, no conflicts (2 of 4 stars). 2 submissions from 2 submitters: Uncertain significance (2). Last evaluated 2026-01-14.

Allele frequency attached by ClinVar (database versions not stated): gnomAD exomes 0.00007; ExAC 0.00008; ESP Exome Variant Server 0.00008; gnomAD 0.00034 and 0.00035; TOPMed 0.00076; 1000 Genomes Project 0.00120; 1000 Genomes Project 30x 0.00141.

Submissions (2):

Labcorp Genetics (formerly Invitae), Labcorp
Classification: Uncertain significance. Last evaluated: 2026-01-14. Review status: criteria provided, single submitter. Criteria: Invitae Variant Classification Sherloc (09022015). Collection method: clinical testing. Allele origin: germline.
Comment: This sequence change replaces serine, which is neutral and polar, with leucine, which is neutral and non-polar, at codon 241 of the DLX6 protein (p.Ser241Leu). This variant is present in population databases (rs185805944, gnomAD 0.02%). This variant has not been reported in the literature in individuals affected with DLX6-related conditions. ClinVar contains an entry for this variant (Variation ID: 1350164). An algorithm developed to predict the effect of missense changes on protein structure and function (PolyPhen-2) suggests that this variant is likely to be tolerated. In summary, the available evidence is currently insufficient to determine the role of this variant in disease. Therefore, it has been classified as a Variant of Uncertain Significance.

Ambry Genetics
Classification: Uncertain significance. Last evaluated: 2025-08-03. Review status: criteria provided, single submitter. Criteria: Ambry Variant Classification Scheme 2023. Collection method: clinical testing. Allele origin: germline.

NM_005222.4(DLX6):c.722C>T (p.Ser241Leu)

Genes: DLX6-AS1 (DLX6 antisense RNA 1; minus strand), DLX6 (distal-less homeobox 6; plus strand). Cytogenetic location: 7q21.3.
Variant type: single nucleotide variant.
Coding change: c.722C>T on transcript NM_005222.4 (MANE Select); coding-DNA position 722, C replaced by T.
Protein change: p.Ser241Leu; replaces serine 241 with leucine.
Molecular consequence: missense variant.
Genome position (GRCh38, 1-based): chr7:97,009,887, C>T. VCF-style: chr7-97009887-C-T. GRCh37 (hg19) VCF-style: chr7-96639199-C-T.
Other names: c.722C>T (NM_005222.3); short protein forms S241L.
Identifiers: ClinVar variation 1350164 (VCV001350164.7), dbSNP rs185805944, ClinGen allele CA4353839.